The following is an entry in ClinVar:

NM_002016.2(FLG):c.8721G>A (p.Trp2907Ter)

Genes: CCDST (cervical cancer associated DHX9 suppressive transcript; plus strand), FLG (filaggrin; minus strand). Cytogenetic location: 1q21.3.
Variant type: single nucleotide variant.
Coding change: c.8721G>A on transcript NM_002016.2 (MANE Select); coding-DNA position 8721, G replaced by A.
Protein change: p.Trp2907Ter; replaces tryptophan 2907 with a stop codon.
Molecular consequence: nonsense.
Genome position (GRCh38, 1-based): chr1:152,306,165, C>T on the plus strand (G>A on the coding strand, the complement: FLG is on the minus strand). VCF-style: chr1-152306165-C-T. GRCh37 (hg19) VCF-style: chr1-152278641-C-T.
Other names: short protein forms W2907*.
Identifiers: ClinVar variation 1318601 (VCV001318601.4), dbSNP rs775033195, ClinGen allele CA1104060.

ClinVar aggregate classification (germline): Pathogenic/Likely pathogenic. Review status: criteria provided, multiple submitters, no conflicts (2 of 4 stars). 2 submissions from 2 submitters: Pathogenic (1); Likely pathogenic (1). Last evaluated 2025-07-03.

Conditions:
Primary immunodeficiency or monogenic inflammatory bowel disease.

Allele frequency attached by ClinVar (database versions not stated): gnomAD exomes below 0.00001; ExAC 0.00001.

Submissions (2):

North West Genomic Laboratory Hub, Manchester University NHS Foundation Trust
Classification: Likely pathogenic for Primary immunodeficiency or monogenic inflammatory bowel disease. Last evaluated: 2025-07-03. Review status: criteria provided, single submitter. Criteria: ACGS Best Practice Guidelines for Variant Classification in Rare Disease 2024. Collection method: clinical testing. Allele origin: germline. Affected: yes.
Comment: PP4_Supp PVS1_Str PM3_Supp PM2_Mod

GeneDx
Classification: Pathogenic. Last evaluated: 2024-08-12. Review status: criteria provided, single submitter. Criteria: GeneDx Variant Classification Process June 2021. Collection method: clinical testing. Allele origin: germline. Affected: yes.
Comment: Nonsense variant predicted to result in protein truncation, as the last 1155 amino acids are lost, and other loss-of-function variants have been reported downstream in HGMD; Not observed at significant frequency in large population cohorts (gnomAD); Has not been previously published as pathogenic or benign to our knowledge; This variant is associated with the following publications: (PMID: 16444271)